The following is an entry in ClinVar:

NM_002473.6(MYH9):c.5459A>T (p.Glu1820Val)

Gene: MYH9 (myosin heavy chain 9; minus strand). Cytogenetic location: 22q12.3.
Variant type: single nucleotide variant.
Coding change: c.5459A>T on transcript NM_002473.6 (MANE Select); coding-DNA position 5459, A replaced by T.
Protein change: p.Glu1820Val; replaces glutamic acid 1820 with valine.
Molecular consequence: missense variant.
Genome position (GRCh38, 1-based): chr22:36,285,145, T>A on the plus strand (A>T on the coding strand, the complement: MYH9 is on the minus strand). VCF-style: chr22-36285145-T-A. GRCh37 (hg19) VCF-style: chr22-36681191-T-A.
Other names: short protein forms E1820V.
Identifiers: ClinVar variation 3645863 (VCV003645863.2).

ClinVar aggregate classification (germline): Uncertain significance (1 of 4 stars; one submission).

gnomAD v4.1: 1 of 1,614,124 alleles (0.000062%); highest among the groups gnomAD compares: Non-Finnish European, 0.000085%; no homozygotes.

Submission:

Labcorp Genetics (formerly Invitae), Labcorp
Classification: Uncertain significance. Last evaluated: 2024-03-13. Review status: criteria provided, single submitter. Criteria: Invitae Variant Classification Sherloc (09022015). Collection method: clinical testing. Allele origin: germline.
Comment: This sequence change replaces glutamic acid, which is acidic and polar, with valine, which is neutral and non-polar, at codon 1820 of the MYH9 protein (p.Glu1820Val). This variant is not present in population databases (gnomAD no frequency). This variant has not been reported in the literature in individuals affected with MYH9-related conditions. Advanced modeling of protein sequence and biophysical properties (such as structural, functional, and spatial information, amino acid conservation, physicochemical variation, residue mobility, and thermodynamic stability) has been performed at Invitae for this missense variant, however the output from this modeling did not meet the statistical confidence thresholds required to predict the impact of this variant on MYH9 protein function. In summary, the available evidence is currently insufficient to determine the role of this variant in disease. Therefore, it has been classified as a Variant of Uncertain Significance.